The following is an entry in ClinVar:

NM_000540.3(RYR1):c.9823C>A (p.Pro3275Thr)

Gene: RYR1 (ryanodine receptor 1; plus strand). Cytogenetic location: 19q13.2.
Variant type: single nucleotide variant.
Coding change: c.9823C>A on transcript NM_000540.3 (MANE Select); coding-DNA position 9823, C replaced by A.
Protein change: p.Pro3275Thr; replaces proline 3275 with threonine.
Molecular consequence: missense variant.
Genome position (GRCh38, 1-based): chr19:38,517,496, C>A. VCF-style: chr19-38517496-C-A. GRCh37 (hg19) VCF-style: chr19-39008136-C-A.
Other names: c.9823C>A, p.Pro3275Thr (NM_001042723.2); short protein forms P3275T.
Identifiers: ClinVar variation 4757780 (VCV004757780.1).

ClinVar aggregate classification (germline): Uncertain significance (1 of 4 stars; one submission).

Conditions:
Malignant hyperthermia, susceptibility to, 1 (MHS1). Also called: RYR1-Related Malignant Hyperthermia Susceptibility; Malignant hyperthermia suceptibility 1; Anesthesia related hyperthermia; Malignant hyperpyrexia; Fulminating hyperpyrexia; Pharmacogenic myopathy. Identifiers: Orphanet 423, MedGen C2930980, MONDO:0007783, OMIM 145600.

gnomAD v4.1: 2 of 1,614,138 alleles (0.00012%); highest among the groups gnomAD compares: East Asian, 0.0045%; no homozygotes.

Submission:

Color Diagnostics, LLC DBA Color Health
Classification: Uncertain significance for Malignant hyperthermia, susceptibility to, 1. Last evaluated: 2025-08-25. Review status: criteria provided, single submitter. Criteria: ACMG Guidelines, 2015. Collection method: clinical testing. Allele origin: germline.
Comment: This missense variant replaces proline with threonine at codon 3275 of the RYR1 protein. Computational prediction suggests that this variant may have deleterious impact on protein structure and function. To our knowledge, functional studies have not been reported for this variant. This variant has not been reported in individuals affected with RYR1-related disorders in the literature. This variant has not been identified in the general population by the Genome Aggregation Database (gnomAD). The available evidence is insufficient to determine the role of this variant in disease conclusively. Therefore, this variant is classified as a Variant of Uncertain Significance.